The following is an entry in ClinVar:

NC_000013.11:g.(?_23093196)_(23411249_?)del

Genes: SGCG (sarcoglycan gamma; plus strand), LINC00362 (long intergenic non-protein coding RNA 362; minus strand), SACS (sacsin molecular chaperone; minus strand), LOC130009367 (ATAC-STARR-seq lymphoblastoid active region 7452; plus strand), LOC130009365 (ATAC-STARR-seq lymphoblastoid silent region 5171; plus strand) and 7 more. Cytogenetic location: 13q12.12.
Variant type: Deletion.
Identifiers: ClinVar variation 652383 (VCV000652383.10).

ClinVar aggregate classification (germline): Pathogenic. Review status: criteria provided, single submitter (1 of 4 stars). 2 submissions from 1 submitter: Pathogenic (2). Last evaluated 2022-11-01.

Conditions:
Spastic paraplegia. Identifiers: MedGen C0037772, HP:0001258.
Autosomal recessive limb-girdle muscular dystrophy type 2C (LGMDR5). Also called: MUSCULAR DYSTROPHY, DUCHENNE-LIKE; MUSCULAR DYSTROPHY, LIMB-GIRDLE, AUTOSOMAL RECESSIVE 5. Identifiers: Orphanet 353, MedGen C0410173, MONDO:0009677, OMIM 253700. Disease mechanism: Affects gamma-sarcoglycan and also disrupts the integrity of the entire sarcoglycan complex..

Submissions (2):

Labcorp Genetics (formerly Invitae), Labcorp
Classification: Pathogenic for Autosomal recessive limb-girdle muscular dystrophy type 2C. Last evaluated: 2022-11-01. Review status: criteria provided, single submitter. Criteria: Invitae Variant Classification Sherloc (09022015). Collection method: clinical testing. Allele origin: germline.
Comment: A gross deletion of the genomic region encompassing the full coding sequence of the SGCG gene has been identified. Loss-of-function variants in SGCG are known to be pathogenic (PMID: 18285821). The boundaries of this event are unknown as they extend beyond the assayed region for this gene and therefore may encompass additional genes. A similar copy number variant has been observed in individual(s) with SGCG-related conditions (PMID: 18285821, 19208398). For these reasons, this variant has been classified as Pathogenic.

Labcorp Genetics (formerly Invitae), Labcorp
Classification: Pathogenic for Spastic paraplegia. Last evaluated: 2019-11-18. Review status: criteria provided, single submitter. Criteria: Invitae Variant Classification Sherloc (09022015). Collection method: clinical testing. Allele origin: germline.
Comment: A gross deletion of the genomic region encompassing the full coding sequence of the SACS gene has been identified. The boundaries of this event are unknown as the deletion extends beyond the assayed region for this gene and therefore may encompass additional genes. Isolated whole-gene deletions of SACS have not been reported in the literature. However, larger copy number events that include this gene have been reported (PMID: 18398442, 24180463, 19031088). Loss-of-function variants in SACS are known to be pathogenic (PMID: 18465152, 20876471). For these reasons, this variant has been classified as Pathogenic.

Literature cited by the submitters: PubMed 18285821; PubMed 19208398; PubMed 18398442; PubMed 19031088; PubMed 24180463.